The following is an entry in ClinVar:

NM_004525.3(LRP2):c.3523G>C (p.Val1175Leu)

Gene: LRP2 (LDL receptor related protein 2; minus strand). Cytogenetic location: 2q31.1.
Variant type: single nucleotide variant.
Coding change: c.3523G>C on transcript NM_004525.3 (MANE Select); coding-DNA position 3523, G replaced by C.
Protein change: p.Val1175Leu; replaces valine 1175 with leucine.
Molecular consequence: missense variant.
Genome position (GRCh38, 1-based): chr2:169,243,430, C>G on the plus strand (G>C on the coding strand, the complement: LRP2 is on the minus strand). VCF-style: chr2-169243430-C-G. GRCh37 (hg19) VCF-style: chr2-170099940-C-G.
Other names: short protein forms V1175L.
Identifiers: ClinVar variation 1943760 (VCV001943760.2), dbSNP rs2528384269, ClinGen allele CA349150232.

ClinVar aggregate classification (germline): Uncertain significance (1 of 4 stars; one submission).

Submission:

Labcorp Genetics (formerly Invitae), Labcorp
Classification: Uncertain significance. Last evaluated: 2022-06-01. Review status: criteria provided, single submitter. Criteria: Invitae Variant Classification Sherloc (09022015). Collection method: clinical testing. Allele origin: germline.
Comment: This sequence change replaces valine, which is neutral and non-polar, with leucine, which is neutral and non-polar, at codon 1175 of the LRP2 protein (p.Val1175Leu). This variant is not present in population databases (gnomAD no frequency). This variant has not been reported in the literature in individuals affected with LRP2-related conditions. Advanced modeling of protein sequence and biophysical properties (such as structural, functional, and spatial information, amino acid conservation, physicochemical variation, residue mobility, and thermodynamic stability) performed at Invitae indicates that this missense variant is not expected to disrupt LRP2 protein function. In summary, the available evidence is currently insufficient to determine the role of this variant in disease. Therefore, it has been classified as a Variant of Uncertain Significance.